The following is an entry in ClinVar:

ClinVar aggregate classification (germline): Pathogenic. Review status: criteria provided, multiple submitters, no conflicts (2 of 4 stars). 8 submissions from 8 submitters: Pathogenic (7). 1 of the submissions does not count toward it. Last evaluated 2025-12-29.

Conditions:
CRTAP-related disorder. Also called: CRTAP-related condition.
Osteogenesis imperfecta type 7 (OI7). Also called: OI type 7; OI type VII; OSTEOGENESIS IMPERFECTA, TYPE IIB; Osteogenesis imperfecta type 2B; OI type 2B; Osteogenesis imperfecta, perinatal lethal autosomal recessive. Identifiers: MedGen C1853162, MONDO:0012536, OMIM 610682.

Allele frequency attached by ClinVar (database versions not stated): gnomAD exomes below 0.00001 and 0.00002; ExAC 0.00003; gnomAD 0.00009; TOPMed 0.00010; 1000 Genomes Project 30x 0.00016; 1000 Genomes Project 0.00020.
gnomAD v4.1: 22 of 1,613,168 alleles (0.0014%); highest among the groups gnomAD compares: African/African-American, 0.023%; no homozygotes.

Submissions (8):

PreventionGenetics, part of Exact Sciences
Classification: Pathogenic for CRTAP-related condition. Last evaluated: 2025-12-29. Review status: criteria provided, single submitter. Criteria: ACMG Guidelines, 2015. Collection method: clinical testing. Allele origin: germline.
Comment: The CRTAP c.826C>T variant is predicted to result in premature protein termination (p.Gln276*). This variant has been reported in the homozygous or compound heterozygous state in individuals with osteogenesis imperfecta (see, for example, Barnes et al. 2006. PubMed ID: 17192541; Chang et al. 2010. PubMed ID: 19846465). This variant is reported in 0.024% of alleles in individuals of African descent in gnomAD. Nonsense variants in CRTAP are expected to be pathogenic. This variant is interpreted as pathogenic.

Labcorp Genetics (formerly Invitae), Labcorp
Classification: Pathogenic for Osteogenesis imperfecta type 7. Last evaluated: 2025-10-11. Review status: criteria provided, single submitter. Criteria: Invitae Variant Classification Sherloc (09022015). Collection method: clinical testing. Allele origin: germline.
Comment: This sequence change creates a premature translational stop signal (p.Gln276*) in the CRTAP gene. It is expected to result in an absent or disrupted protein product. Loss-of-function variants in CRTAP are known to be pathogenic (PMID: 17055431, 19862557, 24715559). This variant is present in population databases (rs72659361, gnomAD 0.02%). This premature translational stop signal has been observed in individual(s) with osteogenesis imperfecta (PMID: 17192541). ClinVar contains an entry for this variant (Variation ID: 4950). For these reasons, this variant has been classified as Pathogenic.

Fulgent Genetics
Classification: Pathogenic for Osteogenesis imperfecta type 7. Last evaluated: 2024-06-17. Review status: criteria provided, single submitter. Criteria: ACMG Guidelines, 2015. Collection method: clinical testing. Allele origin: germline.

ARUP Laboratories, Molecular Genetics and Genomics, ARUP Laboratories
Classification: Pathogenic for Osteogenesis imperfecta type 7. Last evaluated: 2023-12-08. Review status: criteria provided, single submitter. Criteria: ARUP Molecular Germline Variant Investigation Process 2024. Collection method: clinical testing. Allele origin: germline.
Comment: The CRTAP c.826C>T; p.Gln276Ter variant (rs72659361) is reported in the homozygous state in individuals with osteogenesis imperfecta (Barnes 2006, Maddirevula 2018). This variant is also reported in ClinVar (Variation ID: 4950). It is observed in the general population with an overall allele frequency of 0.002% (6/282860 alleles) in the Genome Aggregation Database (v2.1.1). This variant induces an early termination codon and is predicted to result in a truncated protein or mRNA subject to nonsense-mediated decay. Based on available information, this variant is considered to be pathogenic. References: Barnes AM et al. Deficiency of cartilage-associated protein in recessive lethal osteogenesis imperfecta. N Engl J Med. 2006 Dec 28;355(26):2757-64. PMID: 17192541. Maddirevula S et al. Expanding the phenome and variome of skeletal dysplasia. Genet Med. 2018 Dec;20(12):1609-1616. PMID: 29620724.

GeneDx
Classification: Pathogenic. Last evaluated: 2022-08-12. Review status: criteria provided, single submitter. Criteria: GeneDx Variant Classification Process June 2021. Collection method: clinical testing. Allele origin: germline. Affected: yes.
Comment: Nonsense variant predicted to result in protein truncation or nonsense mediated decay in a gene for which loss-of-function is a known mechanism of disease; Published functional studies demonstrate a damaging effect on the protein resulting in nonsense mediated decay (Barnes et al. 2006); This variant is associated with the following publications: (PMID: 22344438, 19846465, 20981092, 25525159, 17192541, 29620724, 19878741, 33726816, 23054245)

Laboratorio de Genetica e Diagnostico Molecular, Hospital Israelita Albert Einstein
Classification: Pathogenic for Osteogenesis imperfecta type 7. Last evaluated: 2022-02-14. Review status: criteria provided, single submitter. Criteria: ACMG Guidelines, 2015. Collection method: clinical testing. Allele origin: germline. Affected: yes.
Comment: ACMG classification criteria: PVS1 very strong, PS4 supporting, PM2 moderate, PM3 supporting

Clinical Genetics and Genomics, Karolinska University Hospital
Classification: Pathogenic. Last evaluated: 2017-09-04. Review status: criteria provided, single submitter. Criteria: ACMG Guidelines, 2015. Collection method: clinical testing. Allele origin: germline. Affected: yes. Observed: 3 variant alleles.

OMIM
Classification: Pathogenic for OSTEOGENESIS IMPERFECTA, TYPE VII. Last evaluated: 2012-10-01. Review status: no assertion criteria provided. Collection method: literature only. Allele origin: germline. Not counted in ClinVar's aggregate classification.

Literature cited by the submitters: PubMed 17055431 (cited by Labcorp Genetics (formerly Invitae), Labcorp); PubMed 19862557 (cited by Labcorp Genetics (formerly Invitae), Labcorp); PubMed 24715559 (cited by Labcorp Genetics (formerly Invitae), Labcorp); PubMed 17192541 (cited by Labcorp Genetics (formerly Invitae), Labcorp and OMIM); PubMed 23054245 (cited by OMIM).

NM_006371.5(CRTAP):c.826C>T (p.Gln276Ter)

Gene: CRTAP (cartilage associated protein; plus strand). Cytogenetic location: 3p22.3.
Variant type: single nucleotide variant.
Coding change: c.826C>T on transcript NM_006371.5 (MANE Select); coding-DNA position 826, C replaced by T.
Protein change: p.Gln276Ter; replaces glutamine 276 with a stop codon.
Molecular consequence: nonsense. On other transcripts: intron variant (1).
Genome position (GRCh38, 1-based): chr3:33,129,971, C>T. VCF-style: chr3-33129971-C-T. GRCh37 (hg19) VCF-style: chr3-33171463-C-T.
Other names: c.826C>T (NM_006371.4); c.826C>T, p.Gln276Ter (NM_001393363.1); c.676C>T, p.Gln226Ter (NM_001393365.1); c.794-2584C>T (NM_001393364.1); short protein forms Q276*, Q226*.
Identifiers: ClinVar variation 4950 (VCV000004950.15), dbSNP rs72659361, ClinGen allele CA117150.